The following is an entry in ClinVar:

NM_001005242.3(PKP2):c.724A>G (p.Thr242Ala)

Gene: PKP2 (plakophilin 2; minus strand). Cytogenetic location: 12p11.21.
Variant type: single nucleotide variant.
Coding change: c.724A>G on transcript NM_001005242.3 (MANE Select); coding-DNA position 724, A replaced by G.
Protein change: p.Thr242Ala; replaces threonine 242 with alanine.
Molecular consequence: missense variant.
Genome position (GRCh38, 1-based): chr12:32,878,156, T>C on the plus strand (A>G on the coding strand, the complement: PKP2 is on the minus strand). VCF-style: chr12-32878156-T-C. GRCh37 (hg19) VCF-style: chr12-33031090-T-C.
Other names: c.724A>G, p.Thr242Ala (NM_001407155.1, NM_001407156.1, NM_001407157.1 and 2 more transcripts); c.397A>G, p.Thr133Ala (NM_001407158.1, NM_001407159.1, NM_001407160.1 and 1 more transcripts); short protein forms T133A, T242A.
Identifiers: ClinVar variation 2724764 (VCV002724764.4), dbSNP rs2541340112, ClinGen allele CA384362980.

ClinVar aggregate classification (germline): Uncertain significance. Review status: criteria provided, multiple submitters, no conflicts (2 of 4 stars). 2 submissions from 2 submitters: Uncertain significance (2). Last evaluated 2026-07-13.

Conditions:
Arrhythmogenic right ventricular dysplasia 9 (ARVD9). Also called: Arrhythmogenic Right Ventricular Dysplasia/Cardiomyopathy 9; ARRHYTHMOGENIC RIGHT VENTRICULAR DYSPLASIA, FAMILIAL, 9. Identifiers: MedGen C1836906, MONDO:0012180, OMIM 609040.
Cardiovascular phenotype. Identifiers: MedGen CN230736.

Submissions (2):

Ambry Genetics
Classification: Uncertain significance for Cardiovascular phenotype. Last evaluated: 2026-07-13. Review status: criteria provided, single submitter. Criteria: Ambry Variant Classification Scheme 2023. Collection method: clinical testing. Allele origin: germline.
Comment: The p.T242A variant (also known as c.724A>G), located in coding exon 3 of the PKP2 gene, results from an A to G substitution at nucleotide position 724. The threonine at codon 242 is replaced by alanine, an amino acid with similar properties. This amino acid position is conserved. In addition, this alteration is predicted to be tolerated by in silico analysis. Based on the available evidence, the clinical significance of this variant remains unclear.

Labcorp Genetics (formerly Invitae), Labcorp
Classification: Uncertain significance for Arrhythmogenic right ventricular dysplasia 9. Last evaluated: 2023-08-24. Review status: criteria provided, single submitter. Criteria: Invitae Variant Classification Sherloc (09022015). Collection method: clinical testing. Allele origin: germline.
Comment: In summary, the available evidence is currently insufficient to determine the role of this variant in disease. Therefore, it has been classified as a Variant of Uncertain Significance. Algorithms developed to predict the effect of missense changes on protein structure and function output the following: SIFT: "Not Available"; PolyPhen-2: "Benign"; Align-GVGD: "Not Available". The alanine amino acid residue is found in multiple mammalian species, which suggests that this missense change does not adversely affect protein function. This variant has not been reported in the literature in individuals affected with PKP2-related conditions. This variant is not present in population databases (gnomAD no frequency). This sequence change replaces threonine, which is neutral and polar, with alanine, which is neutral and non-polar, at codon 242 of the PKP2 protein (p.Thr242Ala).